The following is an entry in ClinVar:

ClinVar aggregate classification (germline): Uncertain significance (1 of 4 stars; one submission).

Conditions:
Rhabdoid tumor predisposition syndrome 2 (RTPS2). Identifiers: Orphanet 231108, Orphanet 69077, MedGen C2750074, MONDO:0013224, OMIM 613325.

Submission:

Labcorp Genetics (formerly Invitae), Labcorp
Classification: Uncertain significance for Rhabdoid tumor predisposition syndrome 2. Last evaluated: 2024-01-24. Review status: criteria provided, single submitter. Criteria: Invitae Variant Classification Sherloc (09022015). Collection method: clinical testing. Allele origin: germline.
Comment: This sequence change replaces glutamic acid, which is acidic and polar, with lysine, which is basic and polar, at codon 1664 of the SMARCA4 protein (p.Glu1664Lys). This variant is not present in population databases (gnomAD no frequency). This variant has not been reported in the literature in individuals affected with SMARCA4-related conditions. Advanced modeling of protein sequence and biophysical properties (such as structural, functional, and spatial information, amino acid conservation, physicochemical variation, residue mobility, and thermodynamic stability) has been performed at Invitae for this missense variant, however the output from this modeling did not meet the statistical confidence thresholds required to predict the impact of this variant on SMARCA4 protein function. In summary, the available evidence is currently insufficient to determine the role of this variant in disease. Therefore, it has been classified as a Variant of Uncertain Significance.

NM_003072.5(SMARCA4):c.4894G>A (p.Glu1632Lys)

Gene: SMARCA4 (SWI/SNF related BAF chromatin remodeling complex subunit ATPase 4; plus strand). Cytogenetic location: 19p13.2.
Variant type: single nucleotide variant.
Coding change: c.4894G>A on transcript NM_003072.5 (MANE Select); coding-DNA position 4894, G replaced by A.
Protein change: p.Glu1632Lys; replaces glutamic acid 1632 with lysine.
Molecular consequence: missense variant. On other transcripts: non-coding transcript variant (1).
Genome position (GRCh38, 1-based): chr19:11,060,170, G>A. VCF-style: chr19-11060170-G-A. GRCh37 (hg19) VCF-style: chr19-11170846-G-A.
Other names: c.4894G>A, p.Glu1632Lys (NM_001128844.3); c.4804G>A, p.Glu1602Lys (NM_001128845.2); c.4801G>A, p.Glu1601Lys (NM_001128846.2); c.4795G>A, p.Glu1599Lys (NM_001128847.4, NM_001374457.1); c.4792G>A, p.Glu1598Lys (NM_001128848.2); c.4990G>A, p.Glu1664Lys (NM_001128849.3, NM_001387283.1); c.4891G>A, p.Glu1631Lys (NM_001411150.1); short protein forms E1664K, E1602K, E1632K, E1598K, E1599K, E1601K, E1631K.
Identifiers: ClinVar variation 2710960 (VCV002710960.3), dbSNP rs2147126868, ClinGen allele CA404080950.